The following is an entry in ClinVar:

ClinVar aggregate classification (germline): Uncertain significance (1 of 4 stars; one submission).

Conditions:
Schwartz-Jampel syndrome type 1 (SJS1). Also called: MYOTONIC MYOPATHY, DWARFISM, CHONDRODYSTROPHY, AND OCULAR AND FACIAL ABNORMALITIES; CHONDRODYSTROPHIC MYOTONIA. Identifiers: MedGen C4551479, MONDO:0100435, OMIM 255800.
Lethal Kniest-like syndrome (DDSH). Also called: Dyssegmental Dysplasia. Identifiers: Orphanet 1865, MedGen C1857100, MONDO:0009140, OMIM 224410.

Submission:

Juno Genomics, Hangzhou Juno Genomics, Inc
Classification: Uncertain significance for Lethal Kniest-like syndrome; Schwartz-Jampel syndrome type 1. Review status: criteria provided, single submitter. Criteria: ACMG Guidelines, 2015. Collection method: clinical testing. Allele origin: germline.
Comment: Absent from controls (or at extremely low frequency if recessive) in Genome Aggregation Database.;Missense variant in a gene that has a low rate of benign missense variation.

NM_005529.7(HSPG2):c.3836C>T (p.Pro1279Leu)

Gene: HSPG2 (heparan sulfate proteoglycan 2; minus strand). Cytogenetic location: 1p36.12.
Variant type: single nucleotide variant.
Coding change: c.3836C>T on transcript NM_005529.7 (MANE Select); coding-DNA position 3836, C replaced by T.
Protein change: p.Pro1279Leu; replaces proline 1279 with leucine.
Molecular consequence: missense variant.
Genome position (GRCh38, 1-based): chr1:21,873,049, G>A on the plus strand (C>T on the coding strand, the complement: HSPG2 is on the minus strand). VCF-style: chr1-21873049-G-A. GRCh37 (hg19) VCF-style: chr1-22199542-G-A.
Other names: c.3839C>T, p.Pro1280Leu (NM_001291860.2); short protein forms P1279L, P1280L.
Identifiers: ClinVar variation 5019230 (VCV005019230.2).
Genomic context (GRCh38, chr1:21,873,049, plus strand): 5'-GGACTGACCTTGCACTGGCACTGACCAGCAGCATCACACTGGCTGCTGACGCTGCCTTGG[G>A]GGTCACAGTTGCAGCCTATGGGCCCTGGCACCTGGCTGTCTCCTGAGGTGGAAGAAAGCC-3'
Protein context (NP_005520.4, residues 1269-1289): VPGPIGCNCD[Pro1279Leu]QGSVSSQCDA